The following is an entry in ClinVar:

NM_000551.4(VHL):c.185T>A (p.Val62Glu)

Gene: VHL (von Hippel-Lindau tumor suppressor; plus strand). Cytogenetic location: 3p25.3.
Variant type: single nucleotide variant.
Coding change: c.185T>A on transcript NM_000551.4 (MANE Select); coding-DNA position 185, T replaced by A.
Protein change: p.Val62Glu; replaces valine 62 with glutamic acid.
Molecular consequence: missense variant.
Genome position (GRCh38, 1-based): chr3:10,142,032, T>A. VCF-style: chr3-10142032-T-A. GRCh37 (hg19) VCF-style: chr3-10183716-T-A.
Other names: c.185T>A, p.Val62Glu (NM_001354723.2, NM_198156.3); short protein forms V62E.
Identifiers: ClinVar variation 947545 (VCV000947545.10), dbSNP rs1696127941, ClinGen allele CA351748739.

ClinVar aggregate classification (germline): Uncertain significance (1 of 4 stars; one submission).

Conditions:
Von Hippel-Lindau syndrome (VHLS). Also called: von Hippel–Lindau syndrome; VHL syndrome; Von Hippel-Lindau. Identifiers: Orphanet 892, MedGen C0019562, MONDO:0008667, OMIM 193300. Disease mechanism: loss of function.
Chuvash polycythemia. Also called: POLYCYTHEMIA, VHL-DEPENDENT. Identifiers: Orphanet 238557, MedGen C1837915, MONDO:0009892, OMIM 263400.

Submission:

Labcorp Genetics (formerly Invitae), Labcorp
Classification: Uncertain significance for Von Hippel-Lindau syndrome; Chuvash polycythemia. Last evaluated: 2019-08-18. Review status: criteria provided, single submitter. Criteria: Invitae Variant Classification Sherloc (09022015). Collection method: clinical testing. Allele origin: germline.
Comment: This sequence change replaces valine with glutamic acid at codon 62 of the VHL protein (p.Val62Glu). The valine residue is moderately conserved and there is a moderate physicochemical difference between valine and glutamic acid. This variant is not present in population databases (ExAC no frequency). This variant has not been reported in the literature in individuals with VHL-related conditions. Algorithms developed to predict the effect of missense changes on protein structure and function (SIFT, PolyPhen-2, Align-GVGD) all suggest that this variant is likely to be tolerated, but these predictions have not been confirmed by published functional studies and their clinical significance is uncertain. In summary, the available evidence is currently insufficient to determine the role of this variant in disease. Therefore, it has been classified as a Variant of Uncertain Significance.